The following is an entry in ClinVar:

ClinVar aggregate classification (germline): Uncertain significance (1 of 4 stars; one submission).

Conditions:
Inborn genetic diseases. Identifiers: MedGen C0950123, MeSH D030342.

gnomAD v4.1: 3 of 1,613,844 alleles (0.00019%); highest among the groups gnomAD compares: Non-Finnish European, 0.00025%; no homozygotes.

Submission:

Ambry Genetics
Classification: Uncertain significance for Inborn genetic diseases. Last evaluated: 2025-11-11. Review status: criteria provided, single submitter. Criteria: Ambry Variant Classification Scheme 2023. Collection method: clinical testing. Allele origin: germline.
Comment: The c.3955A>G (p.I1319V) alteration is located in exon 24 (coding exon 24) of the CACNA1A gene. This alteration results from a A to G substitution at nucleotide position 3955, causing the isoleucine (I) at amino acid position 1319 to be replaced by a valine (V). Based on data from gnomAD, the G allele has an overall frequency of <0.001% (1/249164) total alleles studied. The highest observed frequency was 0.001% (1/112946) of European (non-Finnish) alleles. Based on insufficient or conflicting evidence, the clinical significance of this alteration remains unclear.

NM_001127222.2(CACNA1A):c.3952A>G (p.Ile1318Val)

Genes: CACNA1A (calcium voltage-gated channel subunit alpha1 A; minus strand), LOC126862865 (CDK7 strongly-dependent group 2 enhancer GRCh37_chr19:13385818-13387017; plus strand). Cytogenetic location: 19p13.13.
Variant type: single nucleotide variant.
Coding change: c.3952A>G on transcript NM_001127222.2 (MANE Select); coding-DNA position 3952, A replaced by G.
Protein change: p.Ile1318Val; replaces isoleucine 1318 with valine.
Molecular consequence: missense variant.
Genome position (GRCh38, 1-based): chr19:13,275,887, T>C on the plus strand (A>G on the coding strand, the complement: CACNA1A is on the minus strand). VCF-style: chr19-13275887-T-C. GRCh37 (hg19) VCF-style: chr19-13386701-T-C.
Other names: c.3964A>G, p.Ile1322Val (NM_000068.4, NM_023035.3); c.3955A>G, p.Ile1319Val (NM_001127221.2, NM_001174080.2); short protein forms I1318V, I1319V, I1322V.
Identifiers: ClinVar variation 4602404 (VCV004602404.1).